The following is an entry in ClinVar:

ClinVar aggregate classification (germline): Likely benign (1 of 4 stars; one submission).

gnomAD v4.1: 4 of 1,611,446 alleles (0.00025%); highest among the groups gnomAD compares: East Asian, 0.0089%; no homozygotes.

Submission:

CeGaT Center for Human Genetics Tuebingen
Classification: Likely benign. Last evaluated: 2025-10-01. Review status: criteria provided, single submitter. Criteria: CeGaT Center For Human Genetics Tuebingen Variant Classification Criteria Version 2. Collection method: clinical testing. Allele origin: germline. Affected: yes. Observed: 1 variant allele.
Comment: GRID2: BP4, BP7

NM_001510.4(GRID2):c.1785A>G (p.Leu595=)

Gene: GRID2 (glutamate ionotropic receptor delta type subunit 2; plus strand). Cytogenetic location: 4q22.2.
Variant type: single nucleotide variant.
Coding change: c.1785A>G on transcript NM_001510.4 (MANE Select); coding-DNA position 1785, A replaced by G.
Protein change: p.Leu595=; no amino-acid change (leucine 595 retained).
Molecular consequence: synonymous variant.
Genome position (GRCh38, 1-based): chr4:93,455,901, A>G. VCF-style: chr4-93455901-A-G. GRCh37 (hg19) VCF-style: chr4-94377052-A-G.
Other names: c.1500A>G, p.Leu500= (NM_001286838.1); c.1785A>G, p.Leu595= (NM_001440459.1).
Identifiers: ClinVar variation 4533676 (VCV004533676.6).